The following is an entry in ClinVar:

NM_020376.4(PNPLA2):c.902_910del (p.Pro301_Arg303del)

Gene: PNPLA2 (patatin like domain 2, triacylglycerol lipase; plus strand). Cytogenetic location: 11p15.5.
Variant type: Deletion.
Coding change: c.902_910del on transcript NM_020376.4 (MANE Select); coding-DNA positions 902 to 910, 9 bases deleted (CCGCCCGGC; older notation c.902_910delCCGCCCGGC).
Protein change: p.Pro301_Arg303del.
Molecular consequence: inframe deletion.
Genome position (GRCh38, 1-based): chr11:823,838-823,846, CCGCCCGGC deleted; deleting any 9 consecutive bases within chr11:823,836-823,846 gives the same sequence; the c. name uses the placement nearest the transcript's 3' end. VCF-style (leftmost placement, unchanged base first): chr11-823835-TGCCCGCCCG-T. GRCh37 (hg19) VCF-style: chr11-823835-TGCCCGCCCG-T.
Identifiers: ClinVar variation 2145033 (VCV002145033.4), dbSNP rs2495562190, ClinGen allele CA2580083885.

ClinVar aggregate classification (germline): Uncertain significance (1 of 4 stars; one submission).

Conditions:
Neutral lipid storage myopathy (NLSDM). Also called: NEUTRAL LIPID STORAGE DISEASE WITHOUT ICHTHYOSIS. Identifiers: Orphanet 98908, MedGen C1853136, MONDO:0012545, OMIM 610717.

Submission:

Labcorp Genetics (formerly Invitae), Labcorp
Classification: Uncertain significance for Neutral lipid storage myopathy. Last evaluated: 2022-03-10. Review status: criteria provided, single submitter. Criteria: Invitae Variant Classification Sherloc (09022015). Collection method: clinical testing. Allele origin: germline.
Comment: In summary, the available evidence is currently insufficient to determine the role of this variant in disease. Therefore, it has been classified as a Variant of Uncertain Significance. Experimental studies and prediction algorithms are not available or were not evaluated, and the functional significance of this variant is currently unknown. This variant has not been reported in the literature in individuals affected with PNPLA2-related conditions. This variant is not present in population databases (gnomAD no frequency). This variant, c.902_910del, results in the deletion of 3 amino acid(s) of the PNPLA2 protein (p.Pro301_Arg303del), but otherwise preserves the integrity of the reading frame.